The following is an entry in ClinVar:

ClinVar aggregate classification (germline): Uncertain significance (1 of 4 stars; one submission).

gnomAD v4.1: 5 of 1,614,082 alleles (0.00031%); highest among the groups gnomAD compares: East Asian, 0.0045%; no homozygotes.

Submission:

Women's Health and Genetics/Laboratory Corporation of America, LabCorp
Classification: Uncertain significance. Last evaluated: 2024-06-05. Review status: criteria provided, single submitter. Criteria: LabCorp Variant Classification Summary - May 2015. Collection method: clinical testing. Allele origin: germline.
Comment: Variant summary: COL17A1 c.3554C>T (p.Pro1185Leu) results in a non-conservative amino acid change in the encoded protein sequence. Four of five in-silico tools predict a damaging effect of the variant on protein function. The variant allele was found at a frequency of 8e-06 in 251160 control chromosomes. The available data on variant occurrences in the general population are insufficient to allow any conclusion about variant significance. To our knowledge, no occurrence of c.3554C>T in individuals affected with Junctional Epidermolysis Bullosa and no experimental evidence demonstrating its impact on protein function have been reported. No submitters have cited clinical-significance assessments for this variant to ClinVar. Based on the evidence outlined above, the variant was classified as uncertain significance.

NM_000494.4(COL17A1):c.3554C>T (p.Pro1185Leu)

Gene: COL17A1 (collagen type XVII alpha 1 chain; minus strand). Cytogenetic location: 10q25.1.
Variant type: single nucleotide variant.
Coding change: c.3554C>T on transcript NM_000494.4 (MANE Select); coding-DNA position 3554, C replaced by T.
Protein change: p.Pro1185Leu; replaces proline 1185 with leucine.
Molecular consequence: missense variant.
Genome position (GRCh38, 1-based): chr10:104,035,328, G>A on the plus strand (C>T on the coding strand, the complement: COL17A1 is on the minus strand). VCF-style: chr10-104035328-G-A. GRCh37 (hg19) VCF-style: chr10-105795086-G-A.
Other names: short protein forms P1185L.
Identifiers: ClinVar variation 3339736 (VCV003339736.1).